The following is an entry in ClinVar:

NM_000219.6(KCNE1):c.-161-753T>G

Gene: KCNE1 (potassium voltage-gated channel subfamily E regulatory subunit 1; minus strand). Cytogenetic location: 21q22.12.
Variant type: single nucleotide variant.
Coding change: c.-161-753T>G on transcript NM_000219.6 (MANE Select); 753 bases into the intron before 161 bases upstream of the start codon, T replaced by G.
Molecular consequence: intron variant.
Genome position (GRCh38, 1-based): chr21:34,459,517, A>C on the plus strand (T>G on the coding strand, the complement: KCNE1 is on the minus strand). VCF-style: chr21-34459517-A-C. GRCh37 (hg19) VCF-style: chr21-35831815-A-C.
Other names: c.-133-781T>G (NM_001270403.2); c.-50-9833T>G (NM_001270404.3); c.-161-753T>G (NM_001270402.3); c.-162+382T>G (NM_001270405.3); c.-134+12T>G (NM_001127669.4); c.-162+12T>G (NM_001127668.4).
Identifiers: ClinVar variation 137976 (VCV000137976.3), dbSNP rs8127493, ClinGen allele CA291716.

ClinVar aggregate classification (germline): Benign. Review status: criteria provided, multiple submitters, no conflicts (2 of 4 stars). 3 submissions from 3 submitters: Benign (3). Last evaluated 2018-06-29.

Allele frequency attached by ClinVar (database versions not stated): 1000 Genomes Project 0.99381.

Submissions (3):

Blueprint Genetics
Classification: Benign. Last evaluated: 2018-06-29. Review status: criteria provided, single submitter. Criteria: ACMG Guidelines, 2015. Collection method: clinical testing. Allele origin: germline.

GeneDx
Classification: Benign. Last evaluated: 2013-11-21. Review status: criteria provided, single submitter. Criteria: GeneDx Variant Classification (06012015). Collection method: clinical testing. Allele origin: germline. Affected: yes.
Comment: This variant is considered likely benign or benign based on one or more of the following criteria: it is a conservative change, it occurs at a poorly conserved position in the protein, it is predicted to be benign by multiple in silico algorithms, and/or has population frequency not consistent with disease.

Breakthrough Genomics
Classification: Benign. Review status: criteria provided, single submitter. Criteria: ACMG Guidelines, 2015. Collection method: not provided. Allele origin: germline. Inheritance: Autosomal recessive inheritance. Affected: yes.